The following is an entry in ClinVar:

NM_015311.3(OBSL1):c.4421G>A (p.Arg1474Gln)

Gene: OBSL1 (obscurin like cytoskeletal adaptor 1; minus strand). Cytogenetic location: 2q35.
Variant type: single nucleotide variant.
Coding change: c.4421G>A on transcript NM_015311.3 (MANE Select); coding-DNA position 4421, G replaced by A.
Protein change: p.Arg1474Gln; replaces arginine 1474 with glutamine.
Molecular consequence: missense variant.
Genome position (GRCh38, 1-based): chr2:219,556,208, C>T on the plus strand (G>A on the coding strand, the complement: OBSL1 is on the minus strand). VCF-style: chr2-219556208-C-T. GRCh37 (hg19) VCF-style: chr2-220420930-C-T.
Other names: c.4421G>A, p.Arg1474Gln (NM_001173431.2); short protein forms R1474Q.
Identifiers: ClinVar variation 2959751 (VCV002959751.3), dbSNP rs763410062, ClinGen allele CA2130552.

ClinVar aggregate classification (germline): Uncertain significance (1 of 4 stars; one submission).

Allele frequency attached by ClinVar (database versions not stated): gnomAD 0.00001; gnomAD exomes 0.00001; TOPMed below 0.00001; ExAC 0.00001.
gnomAD v4.1: 14 of 1,610,836 alleles (0.00087%); highest among the groups gnomAD compares: East Asian, 0.0022%; no homozygotes.

Submission:

Labcorp Genetics (formerly Invitae), Labcorp
Classification: Uncertain significance. Last evaluated: 2025-03-06. Review status: criteria provided, single submitter. Criteria: Invitae Variant Classification Sherloc (09022015). Collection method: clinical testing. Allele origin: germline.
Comment: This sequence change replaces arginine, which is basic and polar, with glutamine, which is neutral and polar, at codon 1474 of the OBSL1 protein (p.Arg1474Gln). The frequency data for this variant in the population databases is considered unreliable, as metrics indicate poor data quality at this position in the gnomAD database. This variant has not been reported in the literature in individuals affected with OBSL1-related conditions. ClinVar contains an entry for this variant (Variation ID: 2959751). An algorithm developed to predict the effect of missense changes on protein structure and function (PolyPhen-2) suggests that this variant is likely to be disruptive. In summary, the available evidence is currently insufficient to determine the role of this variant in disease. Therefore, it has been classified as a Variant of Uncertain Significance.